The following is an entry in ClinVar:

NM_001267550.2(TTN):c.41936A>G (p.Lys13979Arg)

Gene: TTN (titin; minus strand). Cytogenetic location: 2q31.2.
Variant type: single nucleotide variant.
Coding change: c.41936A>G on transcript NM_001267550.2 (MANE Select); coding-DNA position 41936, A replaced by G.
Protein change: p.Lys13979Arg; replaces lysine 13979 with arginine.
Molecular consequence: missense variant.
Genome position (GRCh38, 1-based): chr2:178,635,253, T>C on the plus strand (A>G on the coding strand, the complement: TTN is on the minus strand). VCF-style: chr2-178635253-T-C. GRCh37 (hg19) VCF-style: chr2-179499980-T-C.
Other names: c.37013A>G, p.Lys12338Arg (NM_001256850.1); c.14741A>G, p.Lys4914Arg (NM_003319.4); c.34232A>G, p.Lys11411Arg (NM_133378.4); c.15116A>G, p.Lys5039Arg (NM_133432.3); c.15317A>G, p.Lys5106Arg (NM_133437.4); short protein forms K13979R, K5039R, K5106R, K12338R, K11411R, K4914R.
Identifiers: ClinVar variation 1773427 (VCV001773427.2), dbSNP rs1559980687, ClinGen allele CA349656512.

ClinVar aggregate classification (germline): Uncertain significance (1 of 4 stars; one submission).

Conditions:
Cardiovascular phenotype. Identifiers: MedGen CN230736.

Allele frequency attached by ClinVar (database versions not stated): gnomAD exomes below 0.00001.
gnomAD v4.1: 1 of 1,613,346 alleles (0.000062%); highest among the groups gnomAD compares: East Asian, 0.0022%; no homozygotes.

Submission:

Ambry Genetics
Classification: Uncertain significance for Cardiovascular phenotype. Last evaluated: 2020-07-30. Review status: criteria provided, single submitter. Criteria: Ambry Variant Classification Scheme 2023. Collection method: clinical testing. Allele origin: germline.
Comment: The p.K4914R variant (also known as c.14741A>G), located in coding exon 55 of the TTN gene, results from an A to G substitution at nucleotide position 14741. The lysine at codon 4914 is replaced by arginine, an amino acid with highly similar properties. This amino acid position is highly conserved in available vertebrate species. In addition, this alteration is predicted to be tolerated by in silico analysis. Since supporting evidence is limited at this time, the clinical significance of this alteration remains unclear.